The following is an entry in ClinVar:

ClinVar aggregate classification (germline): Conflicting classifications of pathogenicity. Review status: criteria provided, conflicting classifications (1 of 4 stars). 4 submissions from 4 submitters: Uncertain significance (2); Likely benign (2). Last evaluated 2025-12-13.

Conditions:
Cardiovascular phenotype. Identifiers: MedGen CN230736.
Dilated cardiomyopathy 1DD (CMD1DD). Identifiers: Orphanet 154, MedGen C2750995, MONDO:0013168, OMIM 613172.

Allele frequency attached by ClinVar (database versions not stated): gnomAD exomes 0.00002 and 0.00003; TOPMed 0.00002; gnomAD 0.00003 and 0.00004.

Submissions (4):

Labcorp Genetics (formerly Invitae), Labcorp
Classification: Likely benign for Dilated cardiomyopathy 1DD. Last evaluated: 2025-12-13. Review status: criteria provided, single submitter. Criteria: Invitae Variant Classification Sherloc (09022015). Collection method: clinical testing. Allele origin: germline.

Fulgent Genetics
Classification: Uncertain significance for Dilated cardiomyopathy 1DD. Last evaluated: 2024-05-06. Review status: criteria provided, single submitter. Criteria: ACMG Guidelines, 2015. Collection method: clinical testing. Allele origin: germline.

Blueprint Genetics
Classification: Likely benign. Last evaluated: 2023-11-23. Review status: criteria provided, single submitter. Criteria: ACMG Guidelines, 2015. Collection method: clinical testing. Allele origin: germline.

Ambry Genetics
Classification: Uncertain significance for Cardiovascular phenotype. Last evaluated: 2022-04-01. Review status: criteria provided, single submitter. Criteria: Ambry Variant Classification Scheme 2023. Collection method: clinical testing. Allele origin: germline.
Comment: The p.R1182C variant (also known as c.3544C>T), located in coding exon 13 of the RBM20 gene, results from a C to T substitution at nucleotide position 3544. The arginine at codon 1182 is replaced by cysteine, an amino acid with highly dissimilar properties. This amino acid position is conserved. In addition, this alteration is predicted to be deleterious by in silico analysis. Since supporting evidence is limited at this time, the clinical significance of this alteration remains unclear.

NM_001134363.3(RBM20):c.3544C>T (p.Arg1182Cys)

Gene: RBM20 (RNA binding motif protein 20; plus strand). Cytogenetic location: 10q25.2.
Variant type: single nucleotide variant.
Coding change: c.3544C>T on transcript NM_001134363.3 (MANE Select); coding-DNA position 3544, C replaced by T.
Protein change: p.Arg1182Cys; replaces arginine 1182 with cysteine.
Molecular consequence: missense variant.
Genome position (GRCh38, 1-based): chr10:110,831,153, C>T. VCF-style: chr10-110831153-C-T. GRCh37 (hg19) VCF-style: chr10-112590911-C-T.
Other names: short protein forms R1182C.
Identifiers: ClinVar variation 859675 (VCV000859675.13), dbSNP rs1171816793, ClinGen allele CA378386705.
Genomic context (GRCh38, chr10:110,831,153, plus strand): 5'-TATTGCAAGCTGTGTGGGCTGTTCTACACGAGCGAGGAGACAGCAAAGATGAGCCACTGC[C>T]GCAGCGCTGTCCACTACAGGAACTTACAGGTAAAAATCCACTCTCCTTGCCCAGCATGCC-3'
Protein context (NP_001127835.2, residues 1172-1192): SEETAKMSHC[Arg1182Cys]SAVHYRNLQK